The following is an entry in ClinVar:

ClinVar aggregate classification (germline): Likely benign (1 of 4 stars; one submission).

Conditions:
Galactosylceramide beta-galactosidase deficiency. Also called: GALACTOCEREBROSIDASE DEFICIENCY; GALC DEFICIENCY; GLOBOID CELL LEUKOENCEPHALOPATHY; Leukodystrophy, Globoid Cell; Krabbe Disease. Identifiers: Orphanet 487, MedGen C0023521, MONDO:0009499, OMIM 245200.

Allele frequency attached by ClinVar (database versions not stated): ExAC 0.00073; gnomAD exomes 0.00278; gnomAD 0.01407 and 0.01526; 1000 Genomes Project 0.01458; 1000 Genomes Project 30x 0.01530; TOPMed 0.01656.
gnomAD v4.1: 4,030 of 1,451,408 alleles (0.28%); highest among the groups gnomAD compares: African/African-American, 5%; 100 homozygotes.

Submission:

Illumina Laboratory Services, Illumina
Classification: Likely benign for Galactosylceramide beta-galactosidase deficiency. Last evaluated: 2018-01-13. Review status: criteria provided, single submitter. Criteria: ICSL Variant Classification Criteria 13 December 2019. Collection method: clinical testing. Allele origin: germline.
Comment: This variant was observed in the ICSL laboratory as part of a predisposition screen in an ostensibly healthy population. It had not been previously curated by ICSL or reported in the Human Gene Mutation Database (HGMD: prior to June 1st, 2018), and was therefore a candidate for classification through an automated scoring system. Utilizing variant allele frequency, disease prevalence and penetrance estimates, and inheritance mode, an automated score was calculated to assess if this variant is too frequent to cause the disease. Based on the score and internal cut-off values, a variant classified as likely benign is not then subjected to further curation. The score for this variant resulted in a classification of likely benign for this disease.

NM_000153.4(GALC):c.*801A>T

Gene: GALC (galactosylceramidase; minus strand). Cytogenetic location: 14q31.3.
Variant type: single nucleotide variant.
Coding change: c.*801A>T on transcript NM_000153.4 (MANE Select); 801 bases downstream of the stop codon, A replaced by T.
Molecular consequence: 3 prime UTR variant.
Genome position (GRCh38, 1-based): chr14:87,933,931, T>A on the plus strand (A>T on the coding strand, the complement: GALC is on the minus strand). VCF-style: chr14-87933931-T-A. GRCh37 (hg19) VCF-style: chr14-88400275-T-A.
Other names: c.*801A>T (NM_001201401.2, NM_001201402.2).
Identifiers: ClinVar variation 314735 (VCV000314735.5), dbSNP rs114174103, ClinGen allele CA7296807.